The following is an entry in ClinVar:

ClinVar aggregate classification (germline): Conflicting classifications of pathogenicity. Review status: criteria provided, conflicting classifications (1 of 4 stars). 2 submissions from 2 submitters: Likely pathogenic (1); Uncertain significance (1). Last evaluated 2023-10-15.

Conditions:
Combined oxidative phosphorylation deficiency 33 (COXPD33). Identifiers: MedGen C4540209, MONDO:0054677, OMIM 617713.

Allele frequency attached by ClinVar (database versions not stated): ExAC 0.00002; gnomAD 0.00001; gnomAD exomes below 0.00001; TOPMed 0.00001.

Submissions (2):

Labcorp Genetics (formerly Invitae), Labcorp
Classification: Likely pathogenic. Last evaluated: 2023-10-15. Review status: criteria provided, single submitter. Criteria: Invitae Variant Classification Sherloc (09022015). Collection method: clinical testing. Allele origin: germline.
Comment: This sequence change affects a donor splice site in intron 4 of the C1QBP gene. It is expected to disrupt RNA splicing. Variants that disrupt the donor or acceptor splice site typically lead to a loss of protein function (PMID: 16199547), and loss-of-function variants in C1QBP are known to be pathogenic (PMID: 28498888, 28942965). This variant is present in population databases (rs779379127, gnomAD 0.02%). This variant has not been reported in the literature in individuals affected with C1QBP-related conditions. ClinVar contains an entry for this variant (Variation ID: 2439614). Algorithms developed to predict the effect of sequence changes on RNA splicing suggest that this variant may disrupt the consensus splice site. In summary, the currently available evidence indicates that the variant is pathogenic, but additional data are needed to prove that conclusively. Therefore, this variant has been classified as Likely Pathogenic.

Revvity Omics, Revvity
Classification: Uncertain significance for Combined oxidative phosphorylation deficiency 33. Last evaluated: 2021-12-23. Review status: criteria provided, single submitter. Criteria: ACMG Guidelines, 2015. Collection method: clinical testing. Allele origin: germline.

Literature cited by the submitters: PubMed 16199547 (cited by Labcorp Genetics (formerly Invitae), Labcorp); PubMed 28498888 (cited by Labcorp Genetics (formerly Invitae), Labcorp); PubMed 28942965 (cited by Labcorp Genetics (formerly Invitae), Labcorp).

NM_001212.4(C1QBP):c.576+2T>A

Gene: C1QBP (complement C1q binding protein; minus strand). Cytogenetic location: 17p13.2.
Variant type: single nucleotide variant.
Coding change: c.576+2T>A on transcript NM_001212.4 (MANE Select); the canonical splice donor site of the intron after coding-DNA position 576, T replaced by A.
Molecular consequence: splice donor variant.
Genome position (GRCh38, 1-based): chr17:5,433,667, A>T on the plus strand (T>A on the coding strand, the complement: C1QBP is on the minus strand). VCF-style: chr17-5433667-A-T. GRCh37 (hg19) VCF-style: chr17-5336987-A-T.
Identifiers: ClinVar variation 2439614 (VCV002439614.6), dbSNP rs779379127, ClinGen allele CA8325247.
Genomic context (GRCh38, chr17:5,433,667, plus strand): 5'-AGTTCCCAAGGGACACACTGTTCCCCAGGGGTGCCAAGAGGCTAGCACTCCATCCTGCAT[A>T]CCTCATCCTCTGGATAATGACAGTCCAACACAAGGGCCTTCTTGCCATCATCATTCTTTA-3'